The following is an entry in ClinVar:

NM_001999.4(FBN2):c.385A>G (p.Met129Val)

Gene: FBN2 (fibrillin 2; minus strand). Cytogenetic location: 5q23.3.
Variant type: single nucleotide variant.
Coding change: c.385A>G on transcript NM_001999.4 (MANE Select); coding-DNA position 385, A replaced by G.
Protein change: p.Met129Val; replaces methionine 129 with valine.
Molecular consequence: missense variant.
Genome position (GRCh38, 1-based): chr5:128,530,646, T>C on the plus strand (A>G on the coding strand, the complement: FBN2 is on the minus strand). VCF-style: chr5-128530646-T-C. GRCh37 (hg19) VCF-style: chr5-127866339-T-C.
Other names: short protein forms M129V.
Identifiers: ClinVar variation 3689218 (VCV003689218.2).

ClinVar aggregate classification (germline): Uncertain significance (1 of 4 stars; one submission).

Conditions:
Congenital contractural arachnodactyly (CCA). Also called: BEALS SYNDROME; Beals-Hecht syndrome; Arthrogryposis, distal, type 9. Identifiers: Orphanet 115, MedGen C0220668, MONDO:0007363, OMIM 121050.

Submission:

Labcorp Genetics (formerly Invitae), Labcorp
Classification: Uncertain significance for Congenital contractural arachnodactyly. Last evaluated: 2025-01-18. Review status: criteria provided, single submitter. Criteria: Invitae Variant Classification Sherloc (09022015). Collection method: clinical testing. Allele origin: germline.
Comment: This sequence change replaces methionine, which is neutral and non-polar, with valine, which is neutral and non-polar, at codon 129 of the FBN2 protein (p.Met129Val). This variant is not present in population databases (gnomAD no frequency). This variant has not been reported in the literature in individuals affected with FBN2-related conditions. Invitae Evidence Modeling of protein sequence and biophysical properties (such as structural, functional, and spatial information, amino acid conservation, physicochemical variation, residue mobility, and thermodynamic stability) indicates that this missense variant is not expected to disrupt FBN2 protein function with a negative predictive value of 80%. In summary, the available evidence is currently insufficient to determine the role of this variant in disease. Therefore, it has been classified as a Variant of Uncertain Significance.